The following is an entry in ClinVar:

ClinVar aggregate classification (germline): Uncertain significance. Review status: criteria provided, multiple submitters, no conflicts (2 of 4 stars). 2 submissions from 2 submitters: Uncertain significance (2). Last evaluated 2025-08-09.

Conditions:
Inborn genetic diseases. Identifiers: MedGen C0950123, MeSH D030342.

Allele frequency attached by ClinVar (database versions not stated): gnomAD 0.00001; TOPMed 0.00001.
gnomAD v4.1: 5 of 1,609,960 alleles (0.00031%); highest among the groups gnomAD compares: East Asian, 0.011%; no homozygotes.

Submissions (2):

Labcorp Genetics (formerly Invitae), Labcorp
Classification: Uncertain significance. Last evaluated: 2025-08-09. Review status: criteria provided, single submitter. Criteria: Invitae Variant Classification Sherloc (09022015). Collection method: clinical testing. Allele origin: germline.
Comment: This sequence change replaces threonine, which is neutral and polar, with proline, which is neutral and non-polar, at codon 1661 of the ANKRD26 protein (p.Thr1661Pro). This variant is present in population databases (no rsID available, gnomAD 0.02%). This variant has not been reported in the literature in individuals affected with ANKRD26-related conditions. ClinVar contains an entry for this variant (Variation ID: 2397774). An algorithm developed to predict the effect of missense changes on protein structure and function (PolyPhen-2) suggests that this variant is likely to be disruptive. In summary, the available evidence is currently insufficient to determine the role of this variant in disease. Therefore, it has been classified as a Variant of Uncertain Significance.

Ambry Genetics
Classification: Uncertain significance for Inborn genetic diseases. Last evaluated: 2024-10-04. Review status: criteria provided, single submitter. Criteria: Ambry Variant Classification Scheme 2023. Collection method: clinical testing. Allele origin: germline.
Comment: The p.T1661P variant (also known as c.4981A>C), located in coding exon 33 of the ANKRD26 gene, results from an A to C substitution at nucleotide position 4981. The threonine at codon 1661 is replaced by proline, an amino acid with highly similar properties. This amino acid position is conserved. In addition, this alteration is predicted to be tolerated by in silico analysis. Based on the available evidence, the clinical significance of this variant remains unclear.

NM_014915.3(ANKRD26):c.4981A>C (p.Thr1661Pro)

Gene: ANKRD26 (ankyrin repeat domain 26; minus strand). Cytogenetic location: 10p12.1.
Variant type: single nucleotide variant.
Coding change: c.4981A>C on transcript NM_014915.3 (MANE Select); coding-DNA position 4981, A replaced by C.
Protein change: p.Thr1661Pro; replaces threonine 1661 with proline.
Molecular consequence: missense variant.
Genome position (GRCh38, 1-based): chr10:27,006,935, T>G on the plus strand (A>C on the coding strand, the complement: ANKRD26 is on the minus strand). VCF-style: chr10-27006935-T-G. GRCh37 (hg19) VCF-style: chr10-27295864-T-G.
Other names: c.4978A>C, p.Thr1660Pro (NM_001256053.2); short protein forms T1660P, T1661P.
Identifiers: ClinVar variation 2397774 (VCV002397774.4), dbSNP rs1008531113, ClinGen allele CA204423327.